The following is an entry in ClinVar:

NM_032888.4(COL27A1):c.1135A>T (p.Ile379Phe)

Gene: COL27A1 (collagen type XXVII alpha 1 chain; plus strand). Cytogenetic location: 9q32.
Variant type: single nucleotide variant.
Coding change: c.1135A>T on transcript NM_032888.4 (MANE Select); coding-DNA position 1135, A replaced by T.
Protein change: p.Ile379Phe; replaces isoleucine 379 with phenylalanine.
Molecular consequence: missense variant.
Genome position (GRCh38, 1-based): chr9:114,168,690, A>T. VCF-style: chr9-114168690-A-T. GRCh37 (hg19) VCF-style: chr9-116930970-A-T.
Other names: short protein forms I379F.
Identifiers: ClinVar variation 763198 (VCV000763198.13), dbSNP rs200179131, ClinGen allele CA5201313.
Genomic context (GRCh38, chr9:114,168,690, plus strand): 5'-ATCACAGCCACCAAAATCCCCAAAAGCCTCCCTACCAAGCCTTCGGCCCCTTCTACTTCA[A>T]TTGTGCCCATCAAAAGCCCCCATCCTACCCAGAAAACAGCTCCATCTTCATTTACAAAGT-3'
Protein context (NP_116277.2, residues 369-389): PTKPSAPSTS[Ile379Phe]VPIKSPHPTQ

ClinVar aggregate classification (germline): Likely benign. Review status: criteria provided, multiple submitters, no conflicts (2 of 4 stars). 3 submissions from 3 submitters: Likely benign (2). 1 of the submissions does not count toward it. Last evaluated 2026-01-21.

Conditions:
Steel syndrome (STLS). Identifiers: Orphanet 438117, MedGen C3554594, MONDO:0014061, OMIM 615155.
COL27A1-related disorder. Also called: COL27A1-related condition.

Allele frequency attached by ClinVar (database versions not stated): ESP Exome Variant Server 0.00015; TOPMed 0.00021.
gnomAD v4.1: 540 of 1,614,012 alleles (0.033%); highest among the groups gnomAD compares: East Asian, 0.18%; 2 homozygotes.

Submissions (3):

Labcorp Genetics (formerly Invitae), Labcorp
Classification: Likely benign. Last evaluated: 2026-01-21. Review status: criteria provided, single submitter. Criteria: Invitae Variant Classification Sherloc (09022015). Collection method: clinical testing. Allele origin: germline.

Fulgent Genetics
Classification: Likely benign for Steel syndrome. Last evaluated: 2021-12-17. Review status: criteria provided, single submitter. Criteria: ACMG Guidelines, 2015. Collection method: clinical testing. Allele origin: unknown.

PreventionGenetics, part of Exact Sciences
Classification: Likely benign for COL27A1-related condition. Last evaluated: 2019-08-09. Review status: no assertion criteria provided. Collection method: clinical testing. Allele origin: germline. Not counted in ClinVar's aggregate classification.
Comment: This variant is classified as likely benign based on ACMG/AMP sequence variant interpretation guidelines (Richards et al. 2015 PMID: 25741868, with internal and published modifications).